The following is an entry in ClinVar:

NM_001142800.2(EYS):c.6669G>C (p.Leu2223Phe)

Gene: EYS (EGF-like photoreceptor maintenance factor; minus strand). Cytogenetic location: 6q12.
Variant type: single nucleotide variant.
Coding change: c.6669G>C on transcript NM_001142800.2 (MANE Select); coding-DNA position 6669, G replaced by C.
Protein change: p.Leu2223Phe; replaces leucine 2223 with phenylalanine.
Molecular consequence: missense variant.
Genome position (GRCh38, 1-based): chr6:64,066,394, C>G on the plus strand (G>C on the coding strand, the complement: EYS is on the minus strand). VCF-style: chr6-64066394-C-G. GRCh37 (hg19) VCF-style: chr6-64776287-C-G.
Other names: c.6669G>C, p.Leu2223Phe (NM_001292009.2); short protein forms L2223F.
Identifiers: ClinVar variation 1432799 (VCV001432799.8), dbSNP rs1295742707, ClinGen allele CA364389586.

ClinVar aggregate classification (germline): Uncertain significance (1 of 4 stars; one submission).

Allele frequency attached by ClinVar (database versions not stated): TOPMed below 0.00001; gnomAD 0.00001.
gnomAD v4.1: 6 of 1,551,218 alleles (0.00039%); highest among the groups gnomAD compares: Non-Finnish European, 0.00052%; no homozygotes.

Submission:

Labcorp Genetics (formerly Invitae), Labcorp
Classification: Uncertain significance. Last evaluated: 2020-12-26. Review status: criteria provided, single submitter. Criteria: Invitae Variant Classification Sherloc (09022015). Collection method: clinical testing. Allele origin: germline.
Comment: In summary, the available evidence is currently insufficient to determine the role of this variant in disease. Therefore, it has been classified as a Variant of Uncertain Significance. Algorithms developed to predict the effect of missense changes on protein structure and function are either unavailable or do not agree on the potential impact of this missense change (SIFT: "Deleterious"; PolyPhen-2: "Probably Damaging"; Align-GVGD: "Class C0"). This variant has not been reported in the literature in individuals with EYS-related conditions. This variant is not present in population databases (ExAC no frequency). This sequence change replaces leucine with phenylalanine at codon 2223 of the EYS protein (p.Leu2223Phe). The leucine residue is highly conserved and there is a small physicochemical difference between leucine and phenylalanine.